The following is an entry in ClinVar:

NM_032242.4(PLXNA1):c.1841G>A (p.Arg614Gln)

Gene: PLXNA1 (plexin A1; plus strand). Cytogenetic location: 3q21.3.
Variant type: single nucleotide variant.
Coding change: c.1841G>A on transcript NM_032242.4 (MANE Select); coding-DNA position 1841, G replaced by A.
Protein change: p.Arg614Gln; replaces arginine 614 with glutamine.
Molecular consequence: missense variant.
Genome position (GRCh38, 1-based): chr3:127,005,187, G>A. VCF-style: chr3-127005187-G-A. GRCh37 (hg19) VCF-style: chr3-126724030-G-A.
Other names: short protein forms R614Q.
Identifiers: ClinVar variation 3352785 (VCV003352785.1).

ClinVar aggregate classification (germline): Uncertain significance (0 of 4 stars; one submission).

Conditions:
PLXNA1-related disorder. Also called: PLXNA1-related condition.

gnomAD v4.1: 25 of 1,611,988 alleles (0.0016%); highest among the groups gnomAD compares: South Asian, 0.0077%; no homozygotes.

Submission:

PreventionGenetics, part of Exact Sciences
Classification: Uncertain significance for PLXNA1-related condition. Last evaluated: 2024-07-15. Review status: no assertion criteria provided. Collection method: clinical testing. Allele origin: germline.
Comment: The PLXNA1 c.1841G>A variant is predicted to result in the amino acid substitution p.Arg614Gln. To our knowledge, this variant has not been reported in the literature. This variant is reported in 0.0066% of alleles in individuals of South Asian descent in gnomAD. At this time, the clinical significance of this variant is uncertain due to the absence of conclusive functional and genetic evidence.